The following is an entry in ClinVar:

NM_005732.4(RAD50):c.2732A>G (p.Gln911Arg)

Gene: RAD50 (RAD50 double strand break repair protein; plus strand). Cytogenetic location: 5q31.1.
Variant type: single nucleotide variant.
Coding change: c.2732A>G on transcript NM_005732.4 (MANE Select); coding-DNA position 2732, A replaced by G.
Protein change: p.Gln911Arg; replaces glutamine 911 with arginine.
Molecular consequence: missense variant.
Genome position (GRCh38, 1-based): chr5:132,608,628, A>G. VCF-style: chr5-132608628-A-G. GRCh37 (hg19) VCF-style: chr5-131944320-A-G.
Other names: short protein forms Q911R.
Identifiers: ClinVar variation 484681 (VCV000484681.14), dbSNP rs1554099317, ClinGen allele CA360958561.
Genomic context (GRCh38, chr5:132,608,628, plus strand): 5'-AAGATAATGGAATATTATATAATACTTTATCTTTTTTATATTTTTAGGATGCTAAAGAGC[A>G]GGTAAGCCCTTTGGAAACAACATTGGAAAAGTTCCAGCAAGAAAAAGAAGAATTAATCAA-3'
Protein context (NP_005723.2, residues 901-921): LYREIKDAKE[Gln911Arg]VSPLETTLEK

ClinVar aggregate classification (germline): Uncertain significance. Review status: criteria provided, multiple submitters, no conflicts (2 of 4 stars). 2 submissions from 2 submitters: Uncertain significance (2). Last evaluated 2023-04-27.

Conditions:
Hereditary cancer-predisposing syndrome. Also called: Neoplastic Syndromes, Hereditary; Tumor predisposition; Hereditary Cancer Syndrome; Hereditary neoplastic syndrome. Identifiers: Orphanet 140162, MedGen C0027672, MeSH D009386, MONDO:0015356.

Submissions (2):

Labcorp Genetics (formerly Invitae), Labcorp
Classification: Uncertain significance for Hereditary cancer-predisposing syndrome. Last evaluated: 2023-04-27. Review status: criteria provided, single submitter. Criteria: Invitae Variant Classification Sherloc (09022015). Collection method: clinical testing. Allele origin: germline.
Comment: In summary, the available evidence is currently insufficient to determine the role of this variant in disease. Therefore, it has been classified as a Variant of Uncertain Significance. Advanced modeling of protein sequence and biophysical properties (such as structural, functional, and spatial information, amino acid conservation, physicochemical variation, residue mobility, and thermodynamic stability) performed at Invitae indicates that this missense variant is not expected to disrupt RAD50 protein function. ClinVar contains an entry for this variant (Variation ID: 484681). This variant has not been reported in the literature in individuals affected with RAD50-related conditions. This variant is not present in population databases (gnomAD no frequency). This sequence change replaces glutamine, which is neutral and polar, with arginine, which is basic and polar, at codon 911 of the RAD50 protein (p.Gln911Arg).

Ambry Genetics
Classification: Uncertain significance for Hereditary cancer-predisposing syndrome. Last evaluated: 2019-02-05. Review status: criteria provided, single submitter. Criteria: Ambry Variant Classification Scheme 2023. Collection method: clinical testing. Allele origin: germline.
Comment: The p.Q911R variant (also known as c.2732A>G), located in coding exon 17 of the RAD50 gene, results from an A to G substitution at nucleotide position 2732. The glutamine at codon 911 is replaced by arginine, an amino acid with highly similar properties. This amino acid position is highly conserved in available vertebrate species. In addition, the in silico prediction for this alteration is inconclusive. Since supporting evidence is limited at this time, the clinical significance of this alteration remains unclear.